The following is an entry in ClinVar:

NM_002392.6(MDM2):c.185A>T (p.Tyr62Phe)

Gene: MDM2 (MDM2 proto-oncogene; plus strand). Cytogenetic location: 12q15.
Variant type: single nucleotide variant.
Coding change: c.185A>T on transcript NM_002392.6 (MANE Select); coding-DNA position 185, A replaced by T.
Protein change: p.Tyr62Phe; replaces tyrosine 62 with phenylalanine.
Molecular consequence: missense variant. On other transcripts: intron variant (2).
Genome position (GRCh38, 1-based): chr12:68,816,822, A>T. VCF-style: chr12-68816822-A-T. GRCh37 (hg19) VCF-style: chr12-69210602-A-T.
Other names: c.167A>T, p.Tyr56Phe (NM_001145337.3, NM_001367990.1); c.185A>T, p.Tyr62Phe (NM_001145339.2); c.156+3194A>T (NM_001278462.2, NM_001145340.3); short protein forms Y56F, Y62F.
Identifiers: ClinVar variation 1384380 (VCV001384380.6), dbSNP rs2136121383, ClinGen allele CA385704045.

ClinVar aggregate classification (germline): Uncertain significance (1 of 4 stars; one submission).

Conditions:
Accelerated tumor formation, susceptibility to (ACTFS). Identifiers: MedGen C3280690, OMIM 614401, MONDO:0013733.

Submission:

Labcorp Genetics (formerly Invitae), Labcorp
Classification: Uncertain significance for Accelerated tumor formation, susceptibility to. Last evaluated: 2021-09-09. Review status: criteria provided, single submitter. Criteria: Invitae Variant Classification Sherloc (09022015). Collection method: clinical testing. Allele origin: germline.
Comment: This sequence change replaces tyrosine with phenylalanine at codon 62 of the MDM2 protein (p.Tyr62Phe). The tyrosine residue is highly conserved and there is a small physicochemical difference between tyrosine and phenylalanine. This variant is not present in population databases (ExAC no frequency). This variant has not been reported in the literature in individuals affected with MDM2-related conditions. Algorithms developed to predict the effect of missense changes on protein structure and function are either unavailable or do not agree on the potential impact of this missense change (SIFT: "Deleterious"; PolyPhen-2: "Probably Damaging"; Align-GVGD: "Class C0"). In summary, the available evidence is currently insufficient to determine the role of this variant in disease. Therefore, it has been classified as a Variant of Uncertain Significance.